The following is an entry in ClinVar:

ClinVar aggregate classification (germline): Likely benign (1 of 4 stars; one submission).

Allele frequency attached by ClinVar (database versions not stated): gnomAD exomes 0.00003; ExAC 0.00005; gnomAD 0.00005; 1000 Genomes Project 30x 0.00016; TOPMed 0.00016; 1000 Genomes Project 0.00020.
gnomAD v4.1: 61 of 1,613,990 alleles (0.0038%); highest among the groups gnomAD compares: Admixed American, 0.048%; no homozygotes.

Submission:

CeGaT Center for Human Genetics Tuebingen
Classification: Likely benign. Last evaluated: 2026-02-01. Review status: criteria provided, single submitter. Criteria: CeGaT Center For Human Genetics Tuebingen Variant Classification Criteria Version 2. Collection method: clinical testing. Allele origin: germline. Affected: yes. Observed: 2 variant alleles.
Comment: HERC2: BP4, BP7

NM_004667.6(HERC2):c.1185T>A (p.Val395=)

Gene: HERC2 (HECT and RLD domain containing E3 ubiquitin protein ligase 2; minus strand). Cytogenetic location: 15q13.1.
Variant type: single nucleotide variant.
Coding change: c.1185T>A on transcript NM_004667.6 (MANE Select); coding-DNA position 1185, T replaced by A.
Protein change: p.Val395=; no amino-acid change (valine 395 retained).
Molecular consequence: synonymous variant.
Genome position (GRCh38, 1-based): chr15:28,270,767, A>T on the plus strand (T>A on the coding strand, the complement: HERC2 is on the minus strand). VCF-style: chr15-28270767-A-T. GRCh37 (hg19) VCF-style: chr15-28515913-A-T.
Identifiers: ClinVar variation 2645084 (VCV002645084.24), dbSNP rs201661507, ClinGen allele CA7443539.